The following is an entry in ClinVar:

NM_007254.4(PNKP):c.1299-1G>A

Gene: PNKP (polynucleotide kinase 3'-phosphatase; minus strand). Cytogenetic location: 19q13.33.
Variant type: single nucleotide variant.
Coding change: c.1299-1G>A on transcript NM_007254.4 (MANE Select); the canonical splice acceptor site of the intron before coding-DNA position 1299, G replaced by A.
Molecular consequence: splice acceptor variant.
Genome position (GRCh38, 1-based): chr19:49,861,696, C>T on the plus strand (G>A on the coding strand, the complement: PNKP is on the minus strand). VCF-style: chr19-49861696-C-T. GRCh37 (hg19) VCF-style: chr19-50364953-C-T.
Identifiers: ClinVar variation 2192934 (VCV002192934.6), dbSNP rs1245431420, ClinGen allele CA406933314.
Genomic context (GRCh38, chr19:49,861,696, plus strand): 5'-GTGGCGGTGAAGAGGAAGCAGCGGCAGGGGACGCCCGCGGCTCGGGCACACTGGACGTAC[C>T]TGTGGGGGAAGGAGCTGGATGTGCAGGCCCCGCCCACCCCGCCGCAGGCCACCTACGGCC-3'

ClinVar aggregate classification (germline): Pathogenic/Likely pathogenic. Review status: criteria provided, multiple submitters, no conflicts (2 of 4 stars). 2 submissions from 2 submitters: Pathogenic (1); Likely pathogenic (1). Last evaluated 2023-07-14.

Conditions:
Charcot-Marie-Tooth disease type 2B2 (CMT2B2). Also called: Charcot-Marie-Tooth Neuropathy Type 2B2; CHARCOT-MARIE-TOOTH DISEASE, AXONAL, TYPE 2B2; CHARCOT-MARIE-TOOTH DISEASE, NEURONAL, TYPE 2B2; CHARCOT-MARIE-TOOTH DISEASE, AXONAL, AUTOSOMAL RECESSIVE, TYPE 2B2. Identifiers: Orphanet 101101, MedGen C1854150, MONDO:0011570, OMIM 605589.
Microcephaly, seizures, and developmental delay. Identifiers: Orphanet 1934, MedGen C3150667, MONDO:0013254, OMIM 613402.
Ataxia - oculomotor apraxia type 4. Identifiers: Orphanet 459033, MedGen C4225397, MONDO:0014557, OMIM 616267.
Developmental and epileptic encephalopathy, 12 (DEE12). Identifiers: MedGen C3150988, MONDO:0013389, OMIM 613722.

Allele frequency attached by ClinVar (database versions not stated): TOPMed below 0.00001.
gnomAD v4.1: 4 of 1,547,880 alleles (0.00026%); highest among the groups gnomAD compares: East Asian, 0.0049%; no homozygotes.

Submissions (2):

Labcorp Genetics (formerly Invitae), Labcorp
Classification: Pathogenic for Developmental and epileptic encephalopathy, 12. Last evaluated: 2023-07-14. Review status: criteria provided, single submitter. Criteria: Invitae Variant Classification Sherloc (09022015). Collection method: clinical testing. Allele origin: germline.
Comment: Studies have shown that disruption of this splice site results in skipping of exon 15 and introduces a premature termination codon (PMID: 29243230). The resulting mRNA is expected to undergo nonsense-mediated decay. For these reasons, this variant has been classified as Pathogenic. ClinVar contains an entry for this variant (Variation ID: 2192934). Disruption of this splice site has been observed in individual(s) with PNKP-related conditions (PMID: 29243230; Invitae). In at least one individual the data is consistent with being in trans (on the opposite chromosome) from a pathogenic variant. This variant is present in population databases (no rsID available, gnomAD 0.02%). This sequence change affects an acceptor splice site in intron 14 of the PNKP gene. RNA analysis indicates that disruption of this splice site induces altered splicing and may result in an absent or disrupted protein product.

Juno Genomics, Hangzhou Juno Genomics, Inc
Classification: Likely pathogenic for Charcot-Marie-Tooth disease type 2B2; Ataxia - oculomotor apraxia type 4; Microcephaly, seizures, and developmental delay. Review status: criteria provided, single submitter. Criteria: ACMG Guidelines, 2015. Collection method: clinical testing. Allele origin: germline.
Comment: Null variant in a gene where loss of function (LOF) is a known mechanism of disease.;Absent from controls (or at extremely low frequency if recessive) in Genome Aggregation Database.

Literature cited by the submitters: PubMed 29243230 (cited by Labcorp Genetics (formerly Invitae), Labcorp).